The following is an entry in ClinVar:

ClinVar aggregate classification (germline): Likely benign. Review status: criteria provided, multiple submitters, no conflicts (2 of 4 stars). 2 submissions from 2 submitters: Likely benign (2). Last evaluated 2024-11-01.

gnomAD v4.1: 2 of 1,614,126 alleles (0.00012%); highest among the groups gnomAD compares: South Asian, 0.0011%; no homozygotes.

Submissions (2):

CeGaT Center for Human Genetics Tuebingen
Classification: Likely benign. Last evaluated: 2024-11-01. Review status: criteria provided, single submitter. Criteria: CeGaT Center For Human Genetics Tuebingen Variant Classification Criteria Version 2. Collection method: clinical testing. Allele origin: germline. Affected: yes. Observed: 1 variant allele.
Comment: VLDLR: BP4, BP7

Labcorp Genetics (formerly Invitae), Labcorp
Classification: Likely benign. Last evaluated: 2023-06-23. Review status: criteria provided, single submitter. Criteria: Invitae Variant Classification Sherloc (09022015). Collection method: clinical testing. Allele origin: germline.

NM_003383.5(VLDLR):c.516A>T (p.Val172=)

Gene: VLDLR (very low density lipoprotein receptor; plus strand). Cytogenetic location: 9p24.2.
Variant type: single nucleotide variant.
Coding change: c.516A>T on transcript NM_003383.5 (MANE Select); coding-DNA position 516, A replaced by T.
Protein change: p.Val172=; no amino-acid change (valine 172 retained).
Molecular consequence: synonymous variant.
Genome position (GRCh38, 1-based): chr9:2,643,227, A>T. VCF-style: chr9-2643227-A-T. GRCh37 (hg19) VCF-style: chr9-2643227-A-T.
Other names: c.516A>T, p.Val172= (NM_001018056.3); c.393A>T, p.Val131= (NM_001322225.2, NM_001322226.2).
Identifiers: ClinVar variation 2998918 (VCV002998918.17), dbSNP rs1306680341, ClinGen allele CA463852953.